The following is an entry in ClinVar:

NM_015991.4(C1QA):c.79C>G (p.Arg27Gly)

Gene: C1QA (complement C1q A chain; plus strand). Cytogenetic location: 1p36.12.
Variant type: single nucleotide variant.
Coding change: c.79C>G on transcript NM_015991.4 (MANE Select); coding-DNA position 79, C replaced by G.
Protein change: p.Arg27Gly; replaces arginine 27 with glycine.
Molecular consequence: missense variant.
Genome position (GRCh38, 1-based): chr1:22,637,695, C>G. VCF-style: chr1-22637695-C-G. GRCh37 (hg19) VCF-style: chr1-22964188-C-G.
Other names: c.79C>G, p.Arg27Gly (NM_001347465.2, NM_001347466.2); short protein forms R27G.
Identifiers: ClinVar variation 1985830 (VCV001985830.4), dbSNP rs952339666, ClinGen allele CA19170834.

ClinVar aggregate classification (germline): Uncertain significance (1 of 4 stars; one submission).

Allele frequency attached by ClinVar (database versions not stated): TOPMed below 0.00001.

Submission:

Labcorp Genetics (formerly Invitae), Labcorp
Classification: Uncertain significance. Last evaluated: 2022-07-14. Review status: criteria provided, single submitter. Criteria: Invitae Variant Classification Sherloc (09022015). Collection method: clinical testing. Allele origin: germline.
Comment: In summary, the available evidence is currently insufficient to determine the role of this variant in disease. Therefore, it has been classified as a Variant of Uncertain Significance. Algorithms developed to predict the effect of missense changes on protein structure and function are either unavailable or do not agree on the potential impact of this missense change (SIFT: "Deleterious"; PolyPhen-2: "Benign"; Align-GVGD: "Class C0"). This variant has not been reported in the literature in individuals affected with C1QA-related conditions. This variant is present in population databases (no rsID available, gnomAD 0.003%). This sequence change replaces arginine, which is basic and polar, with glycine, which is neutral and non-polar, at codon 27 of the C1QA protein (p.Arg27Gly).